The following is an entry in ClinVar:

NM_001292063.2(OTOG):c.2837G>A (p.Gly946Glu)

Gene: OTOG (otogelin; plus strand). Cytogenetic location: 11p15.1.
Variant type: single nucleotide variant.
Coding change: c.2837G>A on transcript NM_001292063.2 (MANE Select); coding-DNA position 2837, G replaced by A.
Protein change: p.Gly946Glu; replaces glycine 946 with glutamic acid.
Molecular consequence: missense variant.
Genome position (GRCh38, 1-based): chr11:17,586,551, G>A. VCF-style: chr11-17586551-G-A. GRCh37 (hg19) VCF-style: chr11-17608098-G-A.
Other names: c.2873G>A, p.Gly958Glu (NM_001277269.2); short protein forms G946E, G958E.
Identifiers: ClinVar variation 1331136 (VCV001331136.3), dbSNP rs1455245694, ClinGen allele CA379779397.

ClinVar aggregate classification (germline): Uncertain significance (1 of 4 stars; one submission).

gnomAD v4.1: 4 of 1,428,244 alleles (0.00028%); no homozygotes.

Submission:

GeneDx
Classification: Uncertain significance. Last evaluated: 2025-08-20. Review status: criteria provided, single submitter. Criteria: GeneDx Variant Classification Process June 2021. Collection method: clinical testing. Allele origin: germline. Affected: yes.
Comment: Not observed at significant frequency in large population cohorts (gnomAD); In silico analysis supports that this missense variant has a deleterious effect on protein structure/function; Has not been previously published as pathogenic or benign to our knowledge